The following is an entry in ClinVar:

NM_032444.4(SLX4):c.1159T>G (p.Phe387Val)

Gene: SLX4 (SLX4 structure-specific endonuclease subunit; minus strand). Cytogenetic location: 16p13.3.
Variant type: single nucleotide variant.
Coding change: c.1159T>G on transcript NM_032444.4 (MANE Select); coding-DNA position 1159, T replaced by G.
Protein change: p.Phe387Val; replaces phenylalanine 387 with valine.
Molecular consequence: missense variant.
Genome position (GRCh38, 1-based): chr16:3,600,983, A>C on the plus strand (T>G on the coding strand, the complement: SLX4 is on the minus strand). VCF-style: chr16-3600983-A-C. GRCh37 (hg19) VCF-style: chr16-3650984-A-C.
Other names: short protein forms F387V.
Identifiers: ClinVar variation 1519830 (VCV001519830.7), dbSNP rs373810042, ClinGen allele CA7866628.

ClinVar aggregate classification (germline): Conflicting classifications of pathogenicity. Review status: criteria provided, conflicting classifications (1 of 4 stars). 2 submissions from 2 submitters: Uncertain significance (1); Likely benign (1). Last evaluated 2023-10-13.

Conditions:
Fanconi anemia (FA). Also called: Fanconi's anemia. Identifiers: Orphanet 84, MedGen C0015625, MeSH D005199, MONDO:0019391.

Allele frequency attached by ClinVar (database versions not stated): gnomAD exomes below 0.00001 and 0.00001; ExAC 0.00001; TOPMed 0.00001; gnomAD 0.00003; ESP Exome Variant Server 0.00008.
gnomAD v4.1: 13 of 1,613,480 alleles (0.00081%); highest among the groups gnomAD compares: Non-Finnish European, 0.0011%; no homozygotes.

Submissions (2):

Labcorp Genetics (formerly Invitae), Labcorp
Classification: Uncertain significance for Fanconi anemia. Last evaluated: 2023-10-13. Review status: criteria provided, single submitter. Criteria: Invitae Variant Classification Sherloc (09022015). Collection method: clinical testing. Allele origin: germline.
Comment: This sequence change replaces phenylalanine, which is neutral and non-polar, with valine, which is neutral and non-polar, at codon 387 of the SLX4 protein (p.Phe387Val). This variant is present in population databases (rs373810042, gnomAD 0.002%). This variant has not been reported in the literature in individuals affected with SLX4-related conditions. ClinVar contains an entry for this variant (Variation ID: 1519830). An algorithm developed to predict the effect of missense changes on protein structure and function (PolyPhen-2) suggests that this variant is likely to be tolerated. In summary, the available evidence is currently insufficient to determine the role of this variant in disease. Therefore, it has been classified as a Variant of Uncertain Significance.

Blueprint Genetics
Classification: Likely benign. Last evaluated: 2022-07-05. Review status: criteria provided, single submitter. Criteria: ACMG Guidelines, 2015. Collection method: clinical testing. Allele origin: germline.